The following is an entry in ClinVar:

ClinVar aggregate classification (germline): Conflicting classifications of pathogenicity. Review status: criteria provided, conflicting classifications (1 of 4 stars). 5 submissions from 5 submitters: Pathogenic (3); Likely pathogenic (1); Uncertain significance (1). Last evaluated 2024-02-06.

Conditions:
Intellectual developmental disorder, autosomal dominant 42. Also called: Global developmental delay-neuro-ophthalmological abnormalities-seizures-intellectual disability syndrome; Intellectual disability, autosomal dominant 42; GNB1 Encephalopathy. Identifiers: Orphanet 488613, MedGen C4310774, MONDO:0014855, OMIM 616973.
Inborn genetic diseases. Identifiers: MedGen C0950123, MeSH D030342.

Submissions (5):

Clinical Genetics and Genomics, Karolinska University Hospital
Classification: Pathogenic for Intellectual developmental disorder, autosomal dominant 42. Last evaluated: 2024-02-06. Review status: criteria provided, single submitter. Criteria: Strehlow et al. (Brain. 2019). Collection method: clinical testing. Allele origin: de novo. Inheritance: Autosomal dominant inheritance. Affected: yes.

GeneDx
Classification: Pathogenic. Last evaluated: 2023-01-10. Review status: criteria provided, single submitter. Criteria: GeneDx Variant Classification Process June 2021. Collection method: clinical testing. Allele origin: germline. Affected: yes.
Comment: Not observed at significant frequency in large population cohorts (gnomAD); In silico analysis supports that this missense variant has a deleterious effect on protein structure/function; This variant is associated with the following publications: (PMID: 27759915, 31698099, 34183358)

Ambry Genetics
Classification: Uncertain significance for Inborn genetic diseases. Last evaluated: 2021-07-08. Review status: criteria provided, single submitter. Criteria: Ambry Variant Classification Scheme 2023. Collection method: clinical testing. Allele origin: germline.

Institute of Medical Genetics and Applied Genomics, University Hospital Tübingen
Classification: Pathogenic. Last evaluated: 2020-10-23. Review status: criteria provided, single submitter. Criteria: ACMG Guidelines, 2015. Collection method: clinical testing. Allele origin: germline. Inheritance: Unknown mechanism. Affected: yes.

KK Women’s and Children’s Hospital
Classification: Likely pathogenic for Intellectual developmental disorder, autosomal dominant 42. Review status: criteria provided, single submitter. Criteria: ACMG Guidelines, 2015. Collection method: research. Allele origin: de novo. Inheritance: Autosomal dominant inheritance. Affected: yes. Observed: 1 variant allele, 1 heterozygote.
Comment: Although this germline p.Gly77Ala mutation has not been reported previously, mutations in the same region have been detected in patients with somatic mutations. These GNB1mutations may be actionable as in vivo administration of a small molecule inhibitor of the PI3K and mTOR pathways were shown to improve the survival of mice with GNB1-induced myeloid leukaemia [Yoda et al., 2015].

Literature cited by the submitters: PubMed 27759915 (cited by Ambry Genetics and KK Women’s and Children’s Hospital).

NM_002074.5(GNB1):c.230G>C (p.Gly77Ala)

Gene: GNB1 (G protein subunit beta 1; minus strand). Cytogenetic location: 1p36.33.
Variant type: single nucleotide variant.
Coding change: c.230G>C on transcript NM_002074.5 (MANE Select); coding-DNA position 230, G replaced by C.
Protein change: p.Gly77Ala; replaces glycine 77 with alanine.
Molecular consequence: missense variant. On other transcripts: 5 prime UTR variant (1).
Genome position (GRCh38, 1-based): chr1:1,806,512, C>G on the plus strand (G>C on the coding strand, the complement: GNB1 is on the minus strand). VCF-style: chr1-1806512-C-G. GRCh37 (hg19) VCF-style: chr1-1737951-C-G.
Other names: c.230G>C (NM_002074.3); c.-71G>C (NM_001282538.2); c.230G>C, p.Gly77Ala (NM_001282539.2); short protein forms G77A.
Identifiers: ClinVar variation 431082 (VCV000431082.7), dbSNP rs1135401746, ClinGen allele CA337916385.